The following is an entry in ClinVar:

ClinVar aggregate classification (germline): Uncertain significance (1 of 4 stars; one submission).

gnomAD v4.1: 1 of 1,614,238 alleles (0.000062%); highest among the groups gnomAD compares: Non-Finnish European, 0.000085%; no homozygotes.

Submission:

Labcorp Genetics (formerly Invitae), Labcorp
Classification: Uncertain significance. Last evaluated: 2025-08-09. Review status: criteria provided, single submitter. Criteria: Invitae Variant Classification Sherloc (09022015). Collection method: clinical testing. Allele origin: germline.
Comment: This sequence change replaces aspartic acid, which is acidic and polar, with glutamic acid, which is acidic and polar, at codon 182 of the MMP9 protein (p.Asp182Glu). This variant is not present in population databases (gnomAD no frequency). This variant has not been reported in the literature in individuals affected with MMP9-related conditions. Invitae Evidence Modeling of protein sequence and biophysical properties (such as structural, functional, and spatial information, amino acid conservation, physicochemical variation, residue mobility, and thermodynamic stability) has been performed for this missense variant. However, the output from this modeling did not meet the statistical confidence thresholds required to predict the impact of this variant on MMP9 protein function. In summary, the available evidence is currently insufficient to determine the role of this variant in disease. Therefore, it has been classified as a Variant of Uncertain Significance.

NM_004994.3(MMP9):c.546C>A (p.Asp182Glu)

Gene: MMP9 (matrix metallopeptidase 9; plus strand). Cytogenetic location: 20q13.12.
Variant type: single nucleotide variant.
Coding change: c.546C>A on transcript NM_004994.3 (MANE Select); coding-DNA position 546, C replaced by A.
Protein change: p.Asp182Glu; replaces aspartic acid 182 with glutamic acid.
Molecular consequence: missense variant.
Genome position (GRCh38, 1-based): chr20:46,010,947, C>A. VCF-style: chr20-46010947-C-A. GRCh37 (hg19) VCF-style: chr20-44639586-C-A.
Other names: short protein forms D182E.
Identifiers: ClinVar variation 4745491 (VCV004745491.1).
Genomic context (GRCh38, chr20:46,010,947, plus strand): 5'-CGGCTAACCCTCTTCCTCTCGACCTGTTTCTTCAGAGCACGGAGACGGGTATCCCTTCGA[C>A]GGGAAGGACGGGCTCCTGGCACACGCCTTTCCTCCTGGCCCCGGCATTCAGGGAGACGCC-3'
Protein context (NP_004985.2, residues 172-192): VAEHGDGYPF[Asp182Glu]GKDGLLAHAF